The following is an entry in ClinVar:

NM_018834.6(MATR3):c.2149-5T>C

Gene: MATR3 (matrin 3; plus strand). Cytogenetic location: 5q31.2.
Variant type: single nucleotide variant.
Coding change: c.2149-5T>C on transcript NM_018834.6 (MANE Select); 5 bases into the intron before coding-DNA position 2149, T replaced by C.
Molecular consequence: intron variant. On other transcripts: missense variant (6).
Genome position (GRCh38, 1-based): chr5:139,325,435, T>C. VCF-style: chr5-139325435-T-C. GRCh37 (hg19) VCF-style: chr5-138661124-T-C.
Other names: c.2288T>C, p.Ile763Thr (NM_001400441.1, NM_001400442.1, NM_001400443.1 and 2 more transcripts); c.1274T>C, p.Ile425Thr (NM_001400460.1); c.2149-5T>C (NM_001400451.1, NM_001400450.1, NM_001400455.1 and 11 more transcripts); c.1288-5T>C (NM_001400459.1); c.1135-5T>C (NM_001400463.1, NM_001282278.2, NM_001400462.1 and 4 more transcripts); c.1249-5T>C (NM_001400461.1); c.1285-5T>C (NM_001194956.2); short protein forms I425T, I763T.
Identifiers: ClinVar variation 2706985 (VCV002706985.3), dbSNP rs2546883268, ClinGen allele CA361145896.

ClinVar aggregate classification (germline): Uncertain significance (1 of 4 stars; one submission).

Conditions:
Amyotrophic lateral sclerosis type 21. Also called: VOCAL CORD AND PHARYNGEAL DYSFUNCTION WITH DISTAL MYOPATHY; MYOPATHY, DISTAL, 2. Identifiers: Orphanet 600, Orphanet 803, MedGen C3807521, MONDO:0011632, OMIM 606070.

Allele frequency attached by ClinVar (database versions not stated): gnomAD exomes below 0.00001.
gnomAD v4.1: 1 of 1,542,014 alleles (0.000065%); highest among the groups gnomAD compares: Non-Finnish European, 0.000089%; no homozygotes.

Submission:

Labcorp Genetics (formerly Invitae), Labcorp
Classification: Uncertain significance for Amyotrophic lateral sclerosis type 21. Last evaluated: 2024-01-02. Review status: criteria provided, single submitter. Criteria: Invitae Variant Classification Sherloc (09022015). Collection method: clinical testing. Allele origin: germline.
Comment: This sequence change falls in intron 15 of the MATR3 gene. It does not directly change the encoded amino acid sequence of the MATR3 protein. This variant is not present in population databases (gnomAD no frequency). This variant has not been reported in the literature in individuals affected with MATR3-related conditions. Algorithms developed to predict the effect of sequence changes on RNA splicing suggest that this variant may disrupt the consensus splice site. In summary, the available evidence is currently insufficient to determine the role of this variant in disease. Therefore, it has been classified as a Variant of Uncertain Significance.